The following is an entry in ClinVar:

NM_003384.3(VRK1):c.709+75G>A

Gene: VRK1 (VRK serine/threonine kinase 1; plus strand). Cytogenetic location: 14q32.2.
Variant type: single nucleotide variant.
Coding change: c.709+75G>A on transcript NM_003384.3 (MANE Select); 75 bases into the intron after coding-DNA position 709, G replaced by A.
Molecular consequence: intron variant.
Genome position (GRCh38, 1-based): chr14:96,855,431, G>A. VCF-style: chr14-96855431-G-A. GRCh37 (hg19) VCF-style: chr14-97321768-G-A.
Identifiers: ClinVar variation 678410 (VCV000678410.1), dbSNP rs74076161, ClinGen allele CA266079783.

ClinVar aggregate classification (germline): Benign (1 of 4 stars; one submission).

Allele frequency attached by ClinVar (database versions not stated): gnomAD exomes 0.00153; 1000 Genomes Project 0.01378; gnomAD 0.01394 and 0.01498; TOPMed 0.01605; 1000 Genomes Project 30x 0.01640.
gnomAD v4.1: 4,426 of 1,606,442 alleles (0.28%); highest among the groups gnomAD compares: African/African-American, 4.9%; 100 homozygotes.

Submission:

GeneDx
Classification: Benign. Last evaluated: 2018-06-19. Review status: criteria provided, single submitter. Criteria: GeneDx Variant Classification (06012015). Collection method: clinical testing. Allele origin: germline. Affected: yes.
Comment: This variant is considered likely benign or benign based on one or more of the following criteria: it is a conservative change, it occurs at a poorly conserved position in the protein, it is predicted to be benign by multiple in silico algorithms, and/or has population frequency not consistent with disease.